The following is an entry in ClinVar:

NM_000393.5(COL5A2):c.652G>A (p.Val218Ile)

Gene: COL5A2 (collagen type V alpha 2 chain; minus strand). Cytogenetic location: 2q32.2.
Variant type: single nucleotide variant.
Coding change: c.652G>A on transcript NM_000393.5 (MANE Select); coding-DNA position 652, G replaced by A.
Protein change: p.Val218Ile; replaces valine 218 with isoleucine.
Molecular consequence: missense variant.
Genome position (GRCh38, 1-based): chr2:189,086,764, C>T on the plus strand (G>A on the coding strand, the complement: COL5A2 is on the minus strand). VCF-style: chr2-189086764-C-T. GRCh37 (hg19) VCF-style: chr2-189951490-C-T.
Other names: short protein forms V218I.
Identifiers: ClinVar variation 3682288 (VCV003682288.2).

ClinVar aggregate classification (germline): Uncertain significance (1 of 4 stars; one submission).

Conditions:
Ehlers-Danlos syndrome, classic type, 1 (EDSCL1). Also called: EHLERS-DANLOS SYNDROME, GRAVIS TYPE; EHLERS-DANLOS SYNDROME, SEVERE CLASSIC TYPE; Ehlers-Danlos syndrome, type 1; Ehlers-Danlos Syndrome, Classic Type, COL5A1-Related; EDS I. Identifiers: MedGen C0268335, MONDO:0019567, OMIM 130000.

Submission:

Labcorp Genetics (formerly Invitae), Labcorp
Classification: Uncertain significance for Ehlers-Danlos syndrome, classic type, 1. Last evaluated: 2024-07-03. Review status: criteria provided, single submitter. Criteria: Invitae Variant Classification Sherloc (09022015). Collection method: clinical testing. Allele origin: germline.
Comment: This sequence change replaces valine, which is neutral and non-polar, with isoleucine, which is neutral and non-polar, at codon 218 of the COL5A2 protein (p.Val218Ile). This variant is not present in population databases (gnomAD no frequency). This variant has not been reported in the literature in individuals affected with COL5A2-related conditions. Advanced modeling of protein sequence and biophysical properties (such as structural, functional, and spatial information, amino acid conservation, physicochemical variation, residue mobility, and thermodynamic stability) performed at Invitae indicates that this missense variant is not expected to disrupt COL5A2 protein function with a negative predictive value of 95%. In summary, the available evidence is currently insufficient to determine the role of this variant in disease. Therefore, it has been classified as a Variant of Uncertain Significance.